The following is an entry in ClinVar:

ClinVar aggregate classification (germline): Likely benign. Review status: criteria provided, multiple submitters, no conflicts (2 of 4 stars). 2 submissions from 2 submitters: Likely benign (2). Last evaluated 2026-02-26.

Conditions:
CACNA1D-related disorder.

Allele frequency attached by ClinVar (database versions not stated): gnomAD 0.00001; ExAC 0.00002; gnomAD exomes 0.00002; TOPMed 0.00002.
gnomAD v4.1: 31 of 1,612,894 alleles (0.0019%); highest among the groups gnomAD compares: Middle Eastern, 0.033%; no homozygotes.

Submissions (2):

PreventionGenetics, part of Exact Sciences
Classification: Likely benign for CACNA1D-related condition. Last evaluated: 2026-02-26. Review status: criteria provided, single submitter. Criteria: ACMG Guidelines, 2015. Collection method: clinical testing. Allele origin: germline.
Comment: This variant is classified as likely benign based on ACMG/AMP sequence variant interpretation guidelines (Richards et al. 2015 PMID: 25741868, with internal and published modifications).

Labcorp Genetics (formerly Invitae), Labcorp
Classification: Likely benign. Last evaluated: 2025-09-15. Review status: criteria provided, single submitter. Criteria: Invitae Variant Classification Sherloc (09022015). Collection method: clinical testing. Allele origin: germline.

NM_001128840.3(CACNA1D):c.3849C>T (p.Asp1283=)

Gene: CACNA1D (calcium voltage-gated channel subunit alpha1 D; plus strand). Cytogenetic location: 3p21.1.
Variant type: single nucleotide variant.
Coding change: c.3849C>T on transcript NM_001128840.3 (MANE Select); coding-DNA position 3849, C replaced by T.
Protein change: p.Asp1283=; no amino-acid change (aspartic acid 1283 retained).
Molecular consequence: synonymous variant.
Genome position (GRCh38, 1-based): chr3:53,762,060, C>T. VCF-style: chr3-53762060-C-T. GRCh37 (hg19) VCF-style: chr3-53796087-C-T.
Other names: c.3909C>T, p.Asp1303= (NM_000720.4); c.3849C>T, p.Asp1283= (NM_001128839.3); c.3909C>T (NM_000720.3).
Identifiers: ClinVar variation 1621698 (VCV001621698.10), dbSNP rs765055000, ClinGen allele CA2454698.
Genomic context (GRCh38, chr3:53,762,060, plus strand): 5'-GTATTTTAGTGACGCCTGGAACACGTTTGACTCCCTCATCGTAATCGGCAGCATTATAGA[C>T]GTGGCCCTCAGCGAAGCAGACGTGAGTATGCACCTGGCGTGGCCGCCACCTGTGTCCTCT-3'
Protein context (NP_001122312.1, residues 1273-1293): DSLIVIGSII[Asp1283=]VALSEADPTE